The following is an entry in ClinVar:

ClinVar aggregate classification (germline): Conflicting classifications of pathogenicity. Review status: criteria provided, conflicting classifications (1 of 4 stars). 2 submissions from 2 submitters: Uncertain significance (1); Likely benign (1). Last evaluated 2026-01-20.

Conditions:
Severe combined immunodeficiency due to CORO1A deficiency. Also called: Immunodeficiency 8; IMMUNODEFICIENCY 8 WITH LYMPHOPROLIFERATION. Identifiers: Orphanet 228003, MedGen C3809383, MONDO:0014168, OMIM 615401.

Allele frequency attached by ClinVar (database versions not stated): gnomAD 0.00003; TOPMed 0.00010.
gnomAD v4.1: 118 of 1,612,596 alleles (0.0073%); highest among the groups gnomAD compares: Middle Eastern, 0.016%; no homozygotes.

Submissions (2):

Labcorp Genetics (formerly Invitae), Labcorp
Classification: Likely benign for Severe combined immunodeficiency due to CORO1A deficiency. Last evaluated: 2026-01-20. Review status: criteria provided, single submitter. Criteria: Invitae Variant Classification Sherloc (09022015). Collection method: clinical testing. Allele origin: germline.

Center for Genomics, Ann and Robert H. Lurie Children's Hospital of Chicago
Classification: Uncertain significance for Severe combined immunodeficiency due to CORO1A deficiency. Last evaluated: 2021-03-30. Review status: criteria provided, single submitter. Criteria: ACMG Guidelines, 2015. Collection method: clinical testing. Allele origin: germline.
Comment: CORO1A NM_007074.3 exon4 c.451+7C>T: This variant has not been reported in the literature, but is present in 0.01% (3/19930) of East Asian alleles in the Genome Aggregation Database. Evolutionary conservation and computational predictive tools for this variant are limited or unavailable. This variant is an intronic variant; splice prediction tools suggest that this variant may not affect splicing. However, further studies are needed to understand its impact. In summary, data on this variant is insufficient for disease classification. Therefore, the clinical significance of this variant is uncertain.

NM_007074.4(CORO1A):c.451+7C>T

Gene: CORO1A (coronin 1A; plus strand). Cytogenetic location: 16p11.2.
Variant type: single nucleotide variant.
Coding change: c.451+7C>T on transcript NM_007074.4 (MANE Select); 7 bases into the intron after coding-DNA position 451, C replaced by T.
Molecular consequence: intron variant.
Genome position (GRCh38, 1-based): chr16:30,186,952, C>T. VCF-style: chr16-30186952-C-T. GRCh37 (hg19) VCF-style: chr16-30198273-C-T.
Other names: c.451+7C>T (NM_001193333.3).
Identifiers: ClinVar variation 827975 (VCV000827975.12), dbSNP rs761205413, ClinGen allele CA8003117.
Genomic context (GRCh38, chr16:30,186,952, plus strand): 5'-GTGTGGGCATTGTGGCCTGGCACACCACAGCCCAGAACGTGCTGCTCAGTGCAGGTGCTG[C>T]GGGAGGAGGGGCTTGGGGGTGGCTCGTGGCCTGCAGTGGATGAGGGCAGGAGGCTCATGG-3'